The following is an entry in ClinVar:

NM_016123.4(IRAK4):c.316C>T (p.Pro106Ser)

Gene: IRAK4 (interleukin 1 receptor associated kinase 4; plus strand). Cytogenetic location: 12q12.
Variant type: single nucleotide variant.
Coding change: c.316C>T on transcript NM_016123.4 (MANE Select); coding-DNA position 316, C replaced by T.
Protein change: p.Pro106Ser; replaces proline 106 with serine.
Molecular consequence: missense variant. On other transcripts: 5 prime UTR variant (10).
Genome position (GRCh38, 1-based): chr12:43,772,188, C>T. VCF-style: chr12-43772188-C-T. GRCh37 (hg19) VCF-style: chr12-44165991-C-T.
Other names: c.316C>T, p.Pro106Ser (NM_001114182.3, NM_001351345.2); c.-57C>T (NM_001145256.2, NM_001145257.2, NM_001145258.2 and 5 more transcripts); c.-208C>T (NM_001351343.2, NM_001351344.2); short protein forms P106S.
Identifiers: ClinVar variation 1920931 (VCV001920931.5), dbSNP rs2540430818, ClinGen allele CA384468511.
Genomic context (GRCh38, chr12:43,772,188, plus strand): 5'-ACAACCACTTTTTCTTACTGAAAAACCACTTGTATCTTACTTCATTTGTTAGATGCTGTT[C>T]CCAAAACTGCTAATACACTACCTTCTAAAGAAGCTATAACAGTTCAGCAAAAACAGATGC-3'
Protein context (NP_057207.2, residues 96-116): PASLLLPDAV[Pro106Ser]KTANTLPSKE

ClinVar aggregate classification (germline): Uncertain significance (1 of 4 stars; one submission).

Conditions:
Immunodeficiency 67. Also called: Immunodeficiency due to interleukin-1 receptor-associated kinase-4 deficiency. Identifiers: Orphanet 70592, MedGen C1843256, MONDO:0011888, OMIM 607676.

Submission:

Labcorp Genetics (formerly Invitae), Labcorp
Classification: Uncertain significance for Immunodeficiency 67. Last evaluated: 2022-05-22. Review status: criteria provided, single submitter. Criteria: Invitae Variant Classification Sherloc (09022015). Collection method: clinical testing. Allele origin: germline.
Comment: In summary, the available evidence is currently insufficient to determine the role of this variant in disease. Therefore, it has been classified as a Variant of Uncertain Significance. Advanced modeling of protein sequence and biophysical properties (such as structural, functional, and spatial information, amino acid conservation, physicochemical variation, residue mobility, and thermodynamic stability) performed at Invitae indicates that this missense variant is not expected to disrupt IRAK4 protein function. This variant has not been reported in the literature in individuals affected with IRAK4-related conditions. This variant is not present in population databases (gnomAD no frequency). This sequence change replaces proline, which is neutral and non-polar, with serine, which is neutral and polar, at codon 106 of the IRAK4 protein (p.Pro106Ser).